The following is an entry in ClinVar:

NM_001031689.3(PLAA):c.949C>G (p.Leu317Val)

Gene: PLAA (phospholipase A2 activating protein; minus strand). Cytogenetic location: 9p21.2.
Variant type: single nucleotide variant.
Coding change: c.949C>G on transcript NM_001031689.3 (MANE Select); coding-DNA position 949, C replaced by G.
Protein change: p.Leu317Val; replaces leucine 317 with valine.
Molecular consequence: missense variant.
Genome position (GRCh38, 1-based): chr9:26,923,268, G>C on the plus strand (C>G on the coding strand, the complement: PLAA is on the minus strand). VCF-style: chr9-26923268-G-C. GRCh37 (hg19) VCF-style: chr9-26923266-G-C.
Other names: c.949C>G, p.Leu317Val (NM_001321546.2); short protein forms L317V.
Identifiers: ClinVar variation 1427980 (VCV001427980.8), dbSNP rs1357753819, ClinGen allele CA373132922.
Genomic context (GRCh38, chr9:26,923,268, plus strand): 5'-GCTGCTCAGCATTGATGTCCCCTAAATCGCCAGTTTTAGAATCAATGGTTGCGTGAGACA[G>C]TTCTTTTTCAAAAGCCTTGATTTCTTCAGCACTTGCTGTTCGATCTTCTGATTCTGTAAA-3'
Protein context (NP_001026859.1, residues 307-327): AEEIKAFEKE[Leu317Val]SHATIDSKTG

ClinVar aggregate classification (germline): Uncertain significance (1 of 4 stars; one submission).

Allele frequency attached by ClinVar (database versions not stated): TOPMed below 0.00001; gnomAD 0.00001.
gnomAD v4.1: 1 of 1,613,650 alleles (0.000062%); highest among the groups gnomAD compares: African/African-American, 0.0013%; no homozygotes.

Submission:

Labcorp Genetics (formerly Invitae), Labcorp
Classification: Uncertain significance. Last evaluated: 2022-07-19. Review status: criteria provided, single submitter. Criteria: Invitae Variant Classification Sherloc (09022015). Collection method: clinical testing. Allele origin: germline.
Comment: Algorithms developed to predict the effect of missense changes on protein structure and function (SIFT, PolyPhen-2, Align-GVGD) all suggest that this variant is likely to be tolerated. ClinVar contains an entry for this variant (Variation ID: 1427980). This variant has not been reported in the literature in individuals affected with PLAA-related conditions. This variant is not present in population databases (gnomAD no frequency). This sequence change replaces leucine, which is neutral and non-polar, with valine, which is neutral and non-polar, at codon 317 of the PLAA protein (p.Leu317Val). In summary, the available evidence is currently insufficient to determine the role of this variant in disease. Therefore, it has been classified as a Variant of Uncertain Significance.